The following is an entry in ClinVar:

ClinVar aggregate classification (germline): Uncertain significance (1 of 4 stars; one submission).

Conditions:
Familial adenomatous polyposis 1 (FAP1). Also called: FAMILIAL ADENOMATOUS POLYPOSIS 1, ATTENUATED; POLYPOSIS, ADENOMATOUS INTESTINAL. Identifiers: MedGen C2713442, MONDO:0021056, OMIM 175100. Disease mechanism: loss of function.

Submission:

Labcorp Genetics (formerly Invitae), Labcorp
Classification: Uncertain significance for Familial adenomatous polyposis 1. Last evaluated: 2025-10-29. Review status: criteria provided, single submitter. Criteria: Invitae Variant Classification Sherloc (09022015). Collection method: clinical testing. Allele origin: germline.
Comment: This variant occurs in a non-coding region of the APC gene. It does not change the encoded amino acid sequence of the APC protein. This variant is not present in population databases (gnomAD no frequency). This variant has not been reported in the literature in individuals affected with APC-related conditions. Experimental studies and prediction algorithms are not available or were not evaluated, and the functional significance of this variant is currently unknown. In summary, the available evidence is currently insufficient to determine the role of this variant in disease. Therefore, it has been classified as a Variant of Uncertain Significance.

NC_000005.10:g.112707346G>C

Gene: APC (APC regulator of Wnt signaling pathway; plus strand). Cytogenetic location: 5q22.2.
Variant type: single nucleotide variant.
Genome position: GRCh38 VCF-style: chr5-112707346-G-C. GRCh37 (hg19) VCF-style: chr5-112043043-G-C.
Identifiers: ClinVar variation 1040861 (VCV001040861.10), dbSNP rs1232455560, ClinGen allele CA1080214510.
Genomic context (GRCh38, chr5:112,707,346, plus strand): 5'-GTGTGCAGAAGGATCTATTAACTGGGCTGCAGCACAATTCAGAGAAGGCCAGTAAGTGCT[G>C]CAACTGAGACTCGGCTGCCTAGGCAGCAATGGCTCACGGGACAGAACAGCGAAGCAGTGC-3'